The following is an entry in ClinVar:

ClinVar aggregate classification (germline): Likely benign (0 of 4 stars; one submission).

Conditions:
PLXNA2-related disorder. Also called: PLXNA2-related condition.

Submission:

PreventionGenetics, part of Exact Sciences
Classification: Likely benign for PLXNA2-related condition. Last evaluated: 2022-05-20. Review status: no assertion criteria provided. Collection method: clinical testing. Allele origin: germline.
Comment: This variant is classified as likely benign based on ACMG/AMP sequence variant interpretation guidelines (Richards et al. 2015 PMID: 25741868, with internal and published modifications).

NM_025179.4(PLXNA2):c.1101C>T (p.Ile367=)

Gene: PLXNA2 (plexin A2; minus strand). Cytogenetic location: 1q32.2.
Variant type: single nucleotide variant.
Coding change: c.1101C>T on transcript NM_025179.4 (MANE Select); coding-DNA position 1101, C replaced by T.
Protein change: p.Ile367=; no amino-acid change (isoleucine 367 retained).
Molecular consequence: synonymous variant.
Genome position (GRCh38, 1-based): chr1:208,216,822, G>A on the plus strand (C>T on the coding strand, the complement: PLXNA2 is on the minus strand). VCF-style: chr1-208216822-G-A. GRCh37 (hg19) VCF-style: chr1-208390167-G-A.
Identifiers: ClinVar variation 3354345 (VCV003354345.1).